The following is an entry in ClinVar:

NM_138387.4(G6PC3):c.315G>T (p.Glu105Asp)

Gene: G6PC3 (glucose-6-phosphatase catalytic subunit 3; plus strand). Cytogenetic location: 17q21.31.
Variant type: single nucleotide variant.
Coding change: c.315G>T on transcript NM_138387.4 (MANE Select); coding-DNA position 315, G replaced by T.
Protein change: p.Glu105Asp; replaces glutamic acid 105 with aspartic acid.
Molecular consequence: missense variant. On other transcripts: 5 prime UTR variant (4).
Genome position (GRCh38, 1-based): chr17:44,074,256, G>T. VCF-style: chr17-44074256-G-T. GRCh37 (hg19) VCF-style: chr17-42151624-G-T.
Other names: c.315G>T, p.Glu105Asp (NM_001319945.2); c.-31G>T (NM_001384165.1, NM_001384166.1, NM_001384167.1 and 1 more transcripts); short protein forms E105D.
Identifiers: ClinVar variation 4620523 (VCV004620523.1).
Genomic context (GRCh38, chr17:44,074,256, plus strand): 5'-TGAGTCTGGTTACTACAGCCAGGCTCCAGCCCAGGTTCACCAGTTCCCCTCTTCTTGTGA[G>T]ACTGGTCCAGGTGGGAAGCCTCAAACATTCTCCCTTTCCCAATGTGGTTAGGGTTCGGGT-3'
Protein context (NP_612396.1, residues 95-115): AQVHQFPSSC[Glu105Asp]TGPGSPSGHC

ClinVar aggregate classification (germline): Uncertain significance (1 of 4 stars; one submission).

Conditions:
Inborn genetic diseases. Identifiers: MedGen C0950123, MeSH D030342.

Submission:

Ambry Genetics
Classification: Uncertain significance for Inborn genetic diseases. Last evaluated: 2025-11-26. Review status: criteria provided, single submitter. Criteria: Ambry Variant Classification Scheme 2023. Collection method: clinical testing. Allele origin: germline.
Comment: The p.E105D variant (also known as c.315G>T), located in coding exon 2 of the G6PC3 gene, results from a G to T substitution at nucleotide position 315. The glutamic acid at codon 105 is replaced by aspartic acid, an amino acid with highly similar properties. This amino acid position is conserved. In addition, the in silico prediction for this alteration is inconclusive. Based on the available evidence, the clinical significance of this variant remains unclear.